The following is an entry in ClinVar:

ClinVar aggregate classification (germline): Uncertain significance (1 of 4 stars; one submission).

Conditions:
Familial isolated arrhythmogenic right ventricular dysplasia. Identifiers: Orphanet 217656, MedGen C4274968, MONDO:0016342.

Submission:

All of Us Research Program, National Institutes of Health
Classification: Uncertain significance for Familial isolated arrhythmogenic right ventricular dysplasia. Last evaluated: 2024-08-06. Review status: criteria provided, single submitter. Criteria: ACMG Guidelines, 2015. Collection method: clinical testing. Allele origin: germline. Inheritance: Autosomal dominant inheritance. Observed: 1 variant allele, 1 heterozygote.
Comment: This study involves interpretation of variants in research participants for the purpose of population health screening. Participant phenotype was not available at the time of variant classification. Additional details can be found in publication PMID: 35346344, PMCID: PMC8962531

NM_024422.6(DSC2):c.1052A>G (p.His351Arg)

Gene: DSC2 (desmocollin 2; minus strand). Cytogenetic location: 18q12.1.
Variant type: single nucleotide variant.
Coding change: c.1052A>G on transcript NM_024422.6 (MANE Select); coding-DNA position 1052, A replaced by G.
Protein change: p.His351Arg; replaces histidine 351 with arginine.
Molecular consequence: missense variant.
Genome position (GRCh38, 1-based): chr18:31,082,951, T>C on the plus strand (A>G on the coding strand, the complement: DSC2 is on the minus strand). VCF-style: chr18-31082951-T-C. GRCh37 (hg19) VCF-style: chr18-28662917-T-C.
Other names: c.623A>G, p.His208Arg (NM_001406506.1, NM_001406507.1); c.1052A>G, p.His351Arg (NM_004949.5); short protein forms H208R, H351R.
Identifiers: ClinVar variation 3386537 (VCV003386537.1).